The following is an entry in ClinVar:

NM_000059.4(BRCA2):c.218A>C (p.Gln73Pro)

Gene: BRCA2 (BRCA2 DNA repair associated; plus strand). Cytogenetic location: 13q13.1.
Variant type: single nucleotide variant.
Coding change: c.218A>C on transcript NM_000059.4 (MANE Select); coding-DNA position 218, A replaced by C.
Protein change: p.Gln73Pro; replaces glutamine 73 with proline.
Molecular consequence: missense variant.
Genome position (GRCh38, 1-based): chr13:32,319,227, A>C. VCF-style: chr13-32319227-A-C. GRCh37 (hg19) VCF-style: chr13-32893364-A-C.
Other names: c.218A>C (NM_000059.3); short protein forms Q73P.
Identifiers: ClinVar variation 1504810 (VCV001504810.10), dbSNP rs1342778078, ClinGen allele CA387754454.

ClinVar aggregate classification (germline): Uncertain significance. Review status: criteria provided, multiple submitters, no conflicts (2 of 4 stars). 3 submissions from 3 submitters: Uncertain significance (3). Last evaluated 2025-02-26.

Conditions:
Hereditary cancer-predisposing syndrome. Also called: Hereditary neoplastic syndrome; Tumor predisposition; Neoplastic Syndromes, Hereditary; Hereditary Cancer Syndrome. Identifiers: Orphanet 140162, MedGen C0027672, MeSH D009386, MONDO:0015356.
Hereditary breast ovarian cancer syndrome. Also called: Hereditary breast and ovarian cancer; Breast and ovarian cancer; BRCA1- and BRCA2-Associated Hereditary Breast and Ovarian Cancer; Hereditary breast and/or ovarian cancer syndrome; Hereditary breast and ovarian cancer syndrome; Hereditary breast and ovarian cancer syndrome (HBOC). Identifiers: Orphanet 145, MedGen C0677776, MeSH D061325, MONDO:0003582. Disease mechanism: loss of function.

Submissions (3):

Ambry Genetics
Classification: Uncertain significance for Hereditary cancer-predisposing syndrome. Last evaluated: 2025-02-26. Review status: criteria provided, single submitter. Criteria: Ambry Variant Classification Scheme 2023. Collection method: clinical testing. Allele origin: germline.
Comment: The p.Q73P variant (also known as c.218A>C), located in coding exon 2 of the BRCA2 gene, results from an A to C substitution at nucleotide position 218. The glutamine at codon 73 is replaced by proline, an amino acid with similar properties. This amino acid position is not well conserved in available vertebrate species. In addition, this alteration is predicted to be tolerated by in silico analysis. Based on the available evidence, the clinical significance of this variant remains unclear.

Quest Diagnostics Nichols Institute San Juan Capistrano
Classification: Uncertain significance. Last evaluated: 2024-10-23. Review status: criteria provided, single submitter. Criteria: Quest Diagnostics criteria. Collection method: clinical testing. Allele origin: unknown.
Comment: The BRCA2 c.218A>C (p.Gln73Pro) variant has not been reported in individuals with BRCA2-related conditions in the published literature. It also has not been reported in large, multi-ethnic general populations (Genome Aggregation Database). Analysis of this variant using bioinformatics tools for the prediction of the effect of amino acid changes on protein structure and function yielded predictions that this variant is benign. Based on the available information, we are unable to determine the clinical significance of this variant.

Labcorp Genetics (formerly Invitae), Labcorp
Classification: Uncertain significance for Hereditary breast ovarian cancer syndrome. Last evaluated: 2022-08-28. Review status: criteria provided, single submitter. Criteria: Invitae Variant Classification Sherloc (09022015). Collection method: clinical testing. Allele origin: germline.
Comment: Advanced modeling of protein sequence and biophysical properties (such as structural, functional, and spatial information, amino acid conservation, physicochemical variation, residue mobility, and thermodynamic stability) performed at Invitae indicates that this missense variant is not expected to disrupt BRCA2 protein function. This sequence change replaces glutamine, which is neutral and polar, with proline, which is neutral and non-polar, at codon 73 of the BRCA2 protein (p.Gln73Pro). This variant is not present in population databases (gnomAD no frequency). This variant has not been reported in the literature in individuals affected with BRCA2-related conditions. ClinVar contains an entry for this variant (Variation ID: 1504810). In summary, the available evidence is currently insufficient to determine the role of this variant in disease. Therefore, it has been classified as a Variant of Uncertain Significance.